The following is an entry in ClinVar:

NM_001080467.3(MYO5B):c.3828C>T (p.Leu1276=)

Gene: MYO5B (myosin VB; minus strand). Cytogenetic location: 18q21.1.
Variant type: single nucleotide variant.
Coding change: c.3828C>T on transcript NM_001080467.3 (MANE Select); coding-DNA position 3828, C replaced by T.
Protein change: p.Leu1276=; no amino-acid change (leucine 1276 retained).
Molecular consequence: synonymous variant.
Genome position (GRCh38, 1-based): chr18:49,864,156, G>A on the plus strand (C>T on the coding strand, the complement: MYO5B is on the minus strand). VCF-style: chr18-49864156-G-A. GRCh37 (hg19) VCF-style: chr18-47390526-G-A.
Identifiers: ClinVar variation 327023 (VCV000327023.17), dbSNP rs201760142, ClinGen allele CA8960583.

ClinVar aggregate classification (germline): Benign/Likely benign. Review status: criteria provided, multiple submitters, no conflicts (2 of 4 stars). 4 submissions from 4 submitters: Benign (1); Likely benign (3). Last evaluated 2026-08-01.

Conditions:
Congenital microvillous atrophy (DIAR2). Also called: Microvillus inclusion disease; Diarrhea 2 with microvillus atrophy, with or without cholestasis; CONGENITAL FAMILIAL PROTRACTED DIARRHEA WITH ENTEROCYTE BRUSH-BORDER ABNORMALITIES; DAVIDSON DISEASE; MICROVILLUS ATROPHY, CONGENITAL. Identifiers: Orphanet 2290, MedGen C0341306, MONDO:0009635, OMIM 251850.

Allele frequency attached by ClinVar (database versions not stated): 1000 Genomes Project 0.00060; 1000 Genomes Project 30x 0.00062; TOPMed 0.00127; ESP Exome Variant Server 0.00163; gnomAD exomes 0.00165; gnomAD 0.00175; ExAC 0.00214.
gnomAD v4.1: 3,826 of 1,609,862 alleles (0.24%); highest among the groups gnomAD compares: Non-Finnish European, 0.29%; 10 homozygotes.

Submissions (4):

CeGaT Center for Human Genetics Tuebingen
Classification: Likely benign. Last evaluated: 2026-08-01. Review status: criteria provided, single submitter. Criteria: CeGaT Center For Human Genetics Tuebingen Variant Classification Criteria Version 2. Collection method: clinical testing. Allele origin: germline. Affected: yes. Observed: 2 variant alleles.
Comment: MYO5B: BP4, BP7

Labcorp Genetics (formerly Invitae), Labcorp
Classification: Benign. Last evaluated: 2026-02-01. Review status: criteria provided, single submitter. Criteria: Invitae Variant Classification Sherloc (09022015). Collection method: clinical testing. Allele origin: germline.

Blueprint Genetics
Classification: Likely benign. Last evaluated: 2024-11-20. Review status: criteria provided, single submitter. Criteria: ACMG Guidelines, 2015. Collection method: clinical testing. Allele origin: germline.

Illumina Laboratory Services, Illumina
Classification: Likely benign for Congenital microvillous atrophy. Last evaluated: 2018-01-13. Review status: criteria provided, single submitter. Criteria: ICSL Variant Classification Criteria 13 December 2019. Collection method: clinical testing. Allele origin: germline.
Comment: This variant was observed in the ICSL laboratory as part of a predisposition screen in an ostensibly healthy population. It had not been previously curated by ICSL or reported in the Human Gene Mutation Database (HGMD: prior to June 1st, 2018), and was therefore a candidate for classification through an automated scoring system. Utilizing variant allele frequency, disease prevalence and penetrance estimates, and inheritance mode, an automated score was calculated to assess if this variant is too frequent to cause the disease. Based on the score and internal cut-off values, a variant classified as likely benign is not then subjected to further curation. The score for this variant resulted in a classification of likely benign for this disease.